The following is an entry in ClinVar:

ClinVar aggregate classification (germline): Pathogenic (1 of 4 stars; one submission).

Conditions:
Kabuki syndrome 2 (KABUK2). Also called: KDM6A-Related Kabuki Syndrome. Identifiers: Orphanet 2322, MedGen C3275495, MONDO:0010465, OMIM 300867.

Submission:

Labcorp Genetics (formerly Invitae), Labcorp
Classification: Pathogenic for Kabuki syndrome 2. Last evaluated: 2024-01-25. Review status: criteria provided, single submitter. Criteria: Invitae Variant Classification Sherloc (09022015). Collection method: clinical testing. Allele origin: unknown.
Comment: This variant is a gross deletion of the genomic region encompassing exon(s) 6-8 of the KDM6A gene. This deletion is out-of-frame, and is expected to create a premature termination codon and result in an absent or disrupted protein product. Loss-of-function variants in KDM6A are known to be pathogenic (PMID: 23076834, 23913813). This variant has not been reported in the literature in individuals affected with KDM6A-related conditions. For these reasons, this variant has been classified as Pathogenic.

Literature cited by the submitters: PubMed 23076834; PubMed 23913813.

NC_000023.10:g.(?_44879835)_(44896954_?)del

Gene: KDM6A (lysine demethylase 6A; plus strand). Cytogenetic location: Xp11.3.
Variant type: Deletion.
Identifiers: ClinVar variation 3245461 (VCV003245461.1).